The following is an entry in ClinVar:

NM_001385641.1(SAMD11):c.1195+24_1195+25insTCCCCTCATCACCTCCCCAGCCACGGTGAGGACCCACCCTGGCATGATC

Gene: SAMD11 (sterile alpha motif domain containing 11; plus strand). Cytogenetic location: 1p36.33.
Variant type: Insertion.
Coding change: c.1195+24_1195+25insTCCCCTCATCACCTCCCCAGCCACGGTGAGGACCCACCCTGGCATGATC on transcript NM_001385641.1 (MANE Select); bases 24 to 25 of the intron after coding-DNA position 1195, TCCCCTCATCACCTCCCCAGCCACGGTGAGGACCCACCCTGGCATGATC inserted.
Molecular consequence: splice donor variant. On other transcripts: nonsense (1).
Genome position: GRCh38: chr1:939,436-939,437. GRCh37 (hg19): chr1:874,816-874,817.
Other names: c.682_683insTCCCCTCATCACCTCCCCAGCCACGGTGAGGACCCACCCTGGCATGATC, p.Pro228delinsLeuProSerSerProProGlnProArgTer (NM_152486.4); c.1198+24_1198+25insTCCCCTCATCACCTCCCCAGCCACGGTGAGGACCCACCCTGGCATGATC (NM_001385640.1).
Identifiers: ClinVar variation 2417769 (VCV002417769.4), dbSNP rs1641627795, ClinGen allele CA997648642.

ClinVar aggregate classification (germline): Uncertain significance. Review status: criteria provided, multiple submitters, no conflicts (2 of 4 stars). 2 submissions from 2 submitters: Uncertain significance (2). Last evaluated 2025-09-10.

Submissions (2):

Labcorp Genetics (formerly Invitae), Labcorp
Classification: Uncertain significance. Last evaluated: 2025-09-10. Review status: criteria provided, single submitter. Criteria: Invitae Variant Classification Sherloc (09022015). Collection method: clinical testing. Allele origin: germline.
Comment: This sequence change creates a premature translational stop signal (p.Pro228Leufs*10) in the SAMD11 gene. It is expected to result in an absent or disrupted protein product. However, the current clinical and genetic evidence is not sufficient to establish whether loss-of-function variants in SAMD11 cause disease. This variant is not present in population databases (gnomAD no frequency). This variant has not been reported in the literature in individuals affected with SAMD11-related conditions. ClinVar contains an entry for this variant (Variation ID: 2417769). In summary, the available evidence is currently insufficient to determine the role of this variant in disease. Therefore, it has been classified as a Variant of Uncertain Significance.

Blueprint Genetics
Classification: Uncertain significance. Last evaluated: 2023-07-12. Review status: criteria provided, single submitter. Criteria: ACMG Guidelines, 2015. Collection method: clinical testing. Allele origin: germline.